The following is an entry in ClinVar:

NM_001365999.1(SZT2):c.7610-1G>A

Gene: SZT2 (SZT2 subunit of KICSTOR complex; plus strand). Cytogenetic location: 1p34.2.
Variant type: single nucleotide variant.
Coding change: c.7610-1G>A on transcript NM_001365999.1 (MANE Select); the canonical splice acceptor site of the intron before coding-DNA position 7610, G replaced by A.
Molecular consequence: splice acceptor variant.
Genome position (GRCh38, 1-based): chr1:43,441,685, G>A. VCF-style: chr1-43441685-G-A. GRCh37 (hg19) VCF-style: chr1-43907356-G-A.
Other names: c.7439-1G>A (NM_015284.4).
Identifiers: ClinVar variation 3340932 (VCV003340932.1).

ClinVar aggregate classification (germline): Likely pathogenic (1 of 4 stars; one submission).

Submission:

GeneDx
Classification: Likely pathogenic. Last evaluated: 2024-01-19. Review status: criteria provided, single submitter. Criteria: GeneDx Variant Classification Process June 2021. Collection method: clinical testing. Allele origin: germline. Affected: yes.
Comment: Canonical splice site variant predicted to result in a null allele in a gene for which loss of function is a known mechanism of disease; Not observed in large population cohorts (gnomAD); Has not been previously published as pathogenic or benign to our knowledge